The following is an entry in ClinVar:

ClinVar aggregate classification (germline): Likely benign. Review status: criteria provided, multiple submitters, no conflicts (2 of 4 stars). 2 submissions from 2 submitters: Likely benign (2). Last evaluated 2017-04-27.

Conditions:
Achromatopsia 4 (ACHM4). Identifiers: Orphanet 49382, MedGen C1841721, MONDO:0013465, OMIM 613856.

Allele frequency attached by ClinVar (database versions not stated): gnomAD exomes 0.00103; 1000 Genomes Project 0.00839; gnomAD 0.00850 and 0.00917; 1000 Genomes Project 30x 0.00921; TOPMed 0.01014.
gnomAD v4.1: 1,964 of 759,772 alleles (0.26%); highest among the groups gnomAD compares: African/African-American, 2.9%; 24 homozygotes.

Submissions (2):

Illumina Laboratory Services, Illumina
Classification: Likely benign for Achromatopsia 4. Last evaluated: 2017-04-27. Review status: criteria provided, single submitter. Criteria: ICSL Variant Classification Criteria 13 December 2019. Collection method: clinical testing. Allele origin: germline.
Comment: This variant was observed as part of a predisposition screen in an ostensibly healthy population. A literature search was performed for the gene, cDNA change, and amino acid change (where applicable). No publications were found based on this search. Allele frequency data from public databases allowed determination this variant is unlikely to cause disease. Therefore, this variant is classified as likely benign.

Breakthrough Genomics
Classification: Likely benign. Review status: criteria provided, single submitter. Criteria: ACMG Guidelines, 2015. Collection method: not provided. Allele origin: germline. Inheritance: Unknown mechanism. Affected: yes.

NM_001377295.2(GNAT2):c.-53-76A>G

Gene: GNAT2 (G protein subunit alpha transducin 2; minus strand). Cytogenetic location: 1p13.3.
Variant type: single nucleotide variant.
Coding change: c.-53-76A>G on transcript NM_001377295.2 (MANE Select); 76 bases into the intron before 53 bases upstream of the start codon, A replaced by G.
Molecular consequence: intron variant. On other transcripts: 5 prime UTR variant (1).
Genome position (GRCh38, 1-based): chr1:109,612,999, T>C on the plus strand (A>G on the coding strand, the complement: GNAT2 is on the minus strand). VCF-style: chr1-109612999-T-C. GRCh37 (hg19) VCF-style: chr1-110155621-T-C.
Other names: c.-129A>G (NM_005272.5); c.-53-76A>G (NM_001379232.1).
Identifiers: ClinVar variation 874701 (VCV000874701.5), dbSNP rs116819755, ClinGen allele CA28682702.